The following is an entry in ClinVar:

ClinVar aggregate classification (germline): Conflicting classifications of pathogenicity. Review status: criteria provided, conflicting classifications (1 of 4 stars). 2 submissions from 2 submitters: Uncertain significance (1); Likely benign (1). Last evaluated 2021-09-02.

Conditions:
Hereditary cancer-predisposing syndrome. Also called: Neoplastic Syndromes, Hereditary; Hereditary Cancer Syndrome; Hereditary neoplastic syndrome; Tumor predisposition. Identifiers: Orphanet 140162, MedGen C0027672, MeSH D009386, MONDO:0015356.
Tuberous sclerosis 1 (TSC1). Identifiers: Orphanet 805, MedGen C1854465, MONDO:0008612, OMIM 191100.

Submissions (2):

Ambry Genetics
Classification: Uncertain significance for Hereditary cancer-predisposing syndrome. Last evaluated: 2021-09-02. Review status: criteria provided, single submitter. Criteria: Ambry Variant Classification Scheme 2023. Collection method: clinical testing. Allele origin: germline.
Comment: The c.509-4C>G intronic variant results from a C to G substitution 4 nucleotides upstream from coding exon 5 in the TSC1 gene. This nucleotide position is not well conserved in available vertebrate species. In silico splice site analysis predicts that this alteration will not have any significant effect on splicing. Since supporting evidence is limited at this time, the clinical significance of this alteration remains unclear.

Labcorp Genetics (formerly Invitae), Labcorp
Classification: Likely benign for Tuberous sclerosis 1. Last evaluated: 2020-01-31. Review status: criteria provided, single submitter. Criteria: Invitae Variant Classification Sherloc (09022015). Collection method: clinical testing. Allele origin: germline.

NM_000368.5(TSC1):c.509-4C>G

Gene: TSC1 (TSC complex subunit 1; minus strand). Cytogenetic location: 9q34.13.
Variant type: single nucleotide variant.
Coding change: c.509-4C>G on transcript NM_000368.5 (MANE Select); 4 bases into the intron before coding-DNA position 509, C replaced by G.
Molecular consequence: intron variant.
Genome position (GRCh38, 1-based): chr9:132,921,977, G>C on the plus strand (C>G on the coding strand, the complement: TSC1 is on the minus strand). VCF-style: chr9-132921977-G-C. GRCh37 (hg19) VCF-style: chr9-135797364-G-C.
Other names: c.146-4C>G (NM_001362177.2); c.356-4C>G (NM_001162427.2); c.509-4C>G (NM_001162426.2).
Identifiers: ClinVar variation 1161834 (VCV001161834.11), dbSNP rs2132162807, ClinGen allele CA645557271.